The following is an entry in ClinVar:

NC_000006.11:g.(?_161771131)_(161807929_?)dup

Gene: PRKN (parkin RBR E3 ubiquitin protein ligase; minus strand). Cytogenetic location: 6q26.
Variant type: Duplication.
Identifiers: ClinVar variation 1443912 (VCV001443912.7).

ClinVar aggregate classification (germline): Uncertain significance (1 of 4 stars; one submission).

Submission:

Labcorp Genetics (formerly Invitae), Labcorp
Classification: Uncertain significance. Last evaluated: 2021-12-25. Review status: criteria provided, single submitter. Criteria: Invitae Variant Classification Sherloc (09022015). Collection method: clinical testing. Allele origin: germline.
Comment: Experimental studies and prediction algorithms are not available or were not evaluated, and the functional significance of this variant is currently unknown. In summary, the available evidence is currently insufficient to determine the role of this variant in disease. Therefore, it has been classified as a Variant of Uncertain Significance. A similar copy number variant has been observed in individual(s) with clinical features of Parkinson disease (PMID: 18973254). This variant results in a copy number gain of the genomic region encompassing exon(s) 10-12 of the PRKN gene. This region includes the termination codon of the gene. This copy number gain extends beyond the assayed region for this gene and therefore may encompass additional genes. As the precise location of this event is unknown, it may be in tandem or it may be located elsewhere in the genome.

Literature cited by the submitters: PubMed 18973254.